The following is an entry in ClinVar:

ClinVar aggregate classification (germline): Uncertain significance (1 of 4 stars; one submission).

Conditions:
Hereditary cancer-predisposing syndrome. Also called: Neoplastic Syndromes, Hereditary; Tumor predisposition; Hereditary neoplastic syndrome; Hereditary Cancer Syndrome. Identifiers: Orphanet 140162, MedGen C0027672, MeSH D009386, MONDO:0015356.
Cardiovascular phenotype. Identifiers: MedGen CN230736.

Submission:

Ambry Genetics
Classification: Uncertain significance for Cardiovascular phenotype; Hereditary cancer-predisposing syndrome. Last evaluated: 2023-12-08. Review status: criteria provided, single submitter. Criteria: Ambry Variant Classification Scheme 2023. Collection method: clinical testing. Allele origin: germline.
Comment: The p.G1628R variant (also known as c.4882G>C), located in coding exon 36 of the NF1 gene, results from a G to C substitution at nucleotide position 4882. The glycine at codon 1628 is replaced by arginine, an amino acid with dissimilar properties. This amino acid position is highly conserved in available vertebrate species. In addition, the in silico prediction for this alteration is inconclusive. Since supporting evidence is limited at this time, the clinical significance of this alteration remains unclear.

NM_001042492.3(NF1):c.4945G>C (p.Gly1649Arg)

Gene: NF1 (neurofibromin 1; plus strand). Cytogenetic location: 17q11.2.
Variant type: single nucleotide variant.
Coding change: c.4945G>C on transcript NM_001042492.3 (MANE Select); coding-DNA position 4945, G replaced by C.
Protein change: p.Gly1649Arg; replaces glycine 1649 with arginine.
Molecular consequence: missense variant.
Genome position (GRCh38, 1-based): chr17:31,325,929, G>C. VCF-style: chr17-31325929-G-C. GRCh37 (hg19) VCF-style: chr17-29652947-G-C.
Other names: c.4882G>C, p.Gly1628Arg (NM_000267.4); short protein forms G1628R, G1649R.
Identifiers: ClinVar variation 3237807 (VCV003237807.1), dbSNP rs770124316.